The following is an entry in ClinVar:

NM_001127178.3(PIGG):c.309_310del (p.His103fs)

Gene: PIGG (phosphatidylinositol glycan anchor biosynthesis class G (EMM blood group); plus strand). Cytogenetic location: 4p16.3.
Variant type: Microsatellite.
Coding change: c.309_310del on transcript NM_001127178.3 (MANE Select); coding-DNA positions 309 to 310, 2 bases deleted (CA; older notation c.309_310delCA).
Protein change: p.His103fs; shifts the reading frame from histidine 103.
Molecular consequence: frameshift variant. On other transcripts: 5 prime UTR variant (5), non-coding transcript variant (10).
Genome position (GRCh38, 1-based): chr4:500,550-500,551, CA deleted; deleting any 2 consecutive bases within chr4:500,548-500,551 gives the same sequence; the c. name uses the placement nearest the transcript's 3' end. VCF-style (leftmost placement, unchanged base first): chr4-500547-TCA-T. GRCh37 (hg19) VCF-style: chr4-494336-TCA-T.
Other names: c.42_43del, p.His14fs (NM_001289051.2, NM_001289053.2, NM_001289057.2 and 2 more transcripts); c.309_310del, p.His103fs (NM_001289052.2, NM_001345989.2, NM_017733.5); c.-130CA[1] (NM_001289055.2); c.-581CA[1] (NM_001345988.2); c.-1319CA[1] (NM_001345990.2); c.-1181CA[1] (NM_001345991.2); c.-906CA[1] (NM_001345994.2); short protein forms H103fs, H14fs.
Identifiers: ClinVar variation 1069220 (VCV001069220.7), dbSNP rs1553875180, ClinGen allele CA549262964.
Genomic context (GRCh38, chr4:500,547, plus strand): 5'-TGGGTCAAAGGGTGTGAAATTTATGCCCTACACAACTTACCTTGTGGAAAAAGGAGCATC[TCA>T]CAGTTTTGTGGCTGAAGCAAAGCCACCTACAGTTACTATGCCTCGAATCAAGGTAAGTTT-3'

ClinVar aggregate classification (germline): Pathogenic (1 of 4 stars; one submission).

Conditions:
Intellectual disability, autosomal recessive 53 (NEDHSCA). Also called: NEURODEVELOPMENTAL DISORDER WITH OR WITHOUT HYPOTONIA, SEIZURES, AND CEREBELLAR ATROPHY; GLYCOSYLPHOSPHATIDYLINOSITOL BIOSYNTHESIS DEFECT 13; Mental retardation, autosomal recessive 53. Identifiers: Orphanet 488635, MedGen C4310794, MONDO:0014832, OMIM 616917.

Submission:

Labcorp Genetics (formerly Invitae), Labcorp
Classification: Pathogenic for Intellectual disability, autosomal recessive 53. Last evaluated: 2024-03-07. Review status: criteria provided, single submitter. Criteria: Invitae Variant Classification Sherloc (09022015). Collection method: clinical testing. Allele origin: germline.
Comment: This sequence change creates a premature translational stop signal (p.His103Glnfs*5) in the PIGG gene. It is expected to result in an absent or disrupted protein product. Loss-of-function variants in PIGG are known to be pathogenic (PMID: 26996948, 28581210, 28771251). This variant is present in population databases (no rsID available, gnomAD 0.0009%). This variant has not been reported in the literature in individuals affected with PIGG-related conditions. For these reasons, this variant has been classified as Pathogenic.

Literature cited by the submitters: PubMed 26996948; PubMed 28581210; PubMed 28771251.